The following is an entry in ClinVar:

ClinVar aggregate classification (germline): Uncertain significance (1 of 4 stars; one submission).

gnomAD v4.1: 2 of 1,614,028 alleles (0.00012%); highest among the groups gnomAD compares: Non-Finnish European, 0.00017%; no homozygotes.

Submission:

Women's Health and Genetics/Laboratory Corporation of America, LabCorp
Classification: Uncertain significance. Last evaluated: 2024-04-11. Review status: criteria provided, single submitter. Criteria: LabCorp Variant Classification Summary - May 2015. Collection method: clinical testing. Allele origin: germline.
Comment: Variant summary: GNRHR c.386C>T (p.Ala129Val) results in a non-conservative amino acid change located in the GPCR, rhodopsin-like, 7TM (IPR017452) of the encoded protein sequence. Four of five in-silico tools predict a damaging effect of the variant on protein function. The variant allele was found at a frequency of 4e-06 in 250860 control chromosomes. The available data on variant occurrences in the general population are insufficient to allow any conclusion about variant significance. To our knowledge, no occurrence of c.386C>T in individuals affected with Hypogonadotropic Hypogonadism 7 With Or Without Anosmia and no experimental evidence demonstrating its impact on protein function have been reported. No submitters have cited clinical-significance assessments for this variant to ClinVar. Based on the evidence outlined above, the variant was classified as uncertain significance.

NM_000406.3(GNRHR):c.386C>T (p.Ala129Val)

Gene: GNRHR (gonadotropin releasing hormone receptor; minus strand). Cytogenetic location: 4q13.2.
Variant type: single nucleotide variant.
Coding change: c.386C>T on transcript NM_000406.3 (MANE Select); coding-DNA position 386, C replaced by T.
Protein change: p.Ala129Val; replaces alanine 129 with valine.
Molecular consequence: missense variant.
Genome position (GRCh38, 1-based): chr4:67,753,950, G>A on the plus strand (C>T on the coding strand, the complement: GNRHR is on the minus strand). VCF-style: chr4-67753950-G-A. GRCh37 (hg19) VCF-style: chr4-68619668-G-A.
Other names: c.386C>T, p.Ala129Val (NM_001012763.2); short protein forms A129V.
Identifiers: ClinVar variation 3251349 (VCV003251349.1), dbSNP rs104893838.